The following is an entry in ClinVar:

NM_000085.5(CLCNKB):c.1006G>A (p.Ala336Thr)

Genes: CLCNKB (chloride voltage-gated channel Kb; plus strand), LOC106501713 (CLCNKB recombination region; plus strand). Cytogenetic location: 1p36.13.
Variant type: single nucleotide variant.
Coding change: c.1006G>A on transcript NM_000085.5 (MANE Select); coding-DNA position 1006, G replaced by A.
Protein change: p.Ala336Thr; replaces alanine 336 with threonine.
Molecular consequence: missense variant.
Genome position (GRCh38, 1-based): chr1:16,050,553, G>A. VCF-style: chr1-16050553-G-A. GRCh37 (hg19) VCF-style: chr1-16377048-G-A.
Other names: c.499G>A, p.Ala167Thr (NM_001165945.2); c.1006G>A (NM_000085.3); short protein forms A167T, A336T.
Identifiers: ClinVar variation 992446 (VCV000992446.6), dbSNP rs371548242, ClinGen allele CA623660.

ClinVar aggregate classification (germline): Uncertain significance. Review status: criteria provided, multiple submitters, no conflicts (2 of 4 stars). 3 submissions from 3 submitters: Uncertain significance (2). 1 of the submissions does not count toward it. Last evaluated 2025-08-30.

Conditions:
Inborn genetic diseases. Identifiers: MedGen C0950123, MeSH D030342.
Bartter disease type 3. Also called: Bartter syndrome type 3. Identifiers: Orphanet 112, Orphanet 93605, MedGen C1846343, MONDO:0011822, OMIM 607364.

Allele frequency attached by ClinVar (database versions not stated): ExAC 0.00001; gnomAD exomes 0.00002; gnomAD 0.00003 and 0.00004; TOPMed 0.00003; ESP Exome Variant Server 0.00008.
gnomAD v4.1: 53 of 1,613,918 alleles (0.0033%); highest among the groups gnomAD compares: Middle Eastern, 0.016%; no homozygotes.

Submissions (3):

Ambry Genetics
Classification: Uncertain significance for Inborn genetic diseases. Last evaluated: 2025-08-30. Review status: criteria provided, single submitter. Criteria: Ambry Variant Classification Scheme 2023. Collection method: clinical testing. Allele origin: germline.

Labcorp Genetics (formerly Invitae), Labcorp
Classification: Uncertain significance. Last evaluated: 2022-04-07. Review status: criteria provided, single submitter. Criteria: Invitae Variant Classification Sherloc (09022015). Collection method: clinical testing. Allele origin: germline.
Comment: This sequence change replaces alanine, which is neutral and non-polar, with threonine, which is neutral and polar, at codon 336 of the CLCNKB protein (p.Ala336Thr). This variant is present in population databases (rs371548242, gnomAD 0.003%). This variant has not been reported in the literature in individuals affected with CLCNKB-related conditions. ClinVar contains an entry for this variant (Variation ID: 992446). Advanced modeling of protein sequence and biophysical properties (such as structural, functional, and spatial information, amino acid conservation, physicochemical variation, residue mobility, and thermodynamic stability) performed at Invitae indicates that this missense variant is not expected to disrupt CLCNKB protein function. In summary, the available evidence is currently insufficient to determine the role of this variant in disease. Therefore, it has been classified as a Variant of Uncertain Significance.

Bioscientia Institut fuer Medizinische Diagnostik GmbH, Sonic Healthcare
Classification: Uncertain significance for Bartter disease type 3. Last evaluated: 2020-10-28. Review status: no assertion criteria provided. Collection method: clinical testing. Allele origin: germline. Affected: yes. Not counted in ClinVar's aggregate classification.